The following is an entry in ClinVar:

ClinVar aggregate classification (germline): Uncertain significance (1 of 4 stars; one submission).

Conditions:
Autosomal recessive limb-girdle muscular dystrophy type 2J (LGMDR10). Also called: Limb-girdle muscular dystrophy, type 2J; MUSCULAR DYSTROPHY, LIMB-GIRDLE, AUTOSOMAL RECESSIVE 10. Identifiers: Orphanet 140922, MedGen C1837342, MONDO:0012127, OMIM 608807.
Dilated cardiomyopathy 1G (CMD1G). Identifiers: Orphanet 154, MedGen C1858763, MONDO:0011400, OMIM 604145.

Submission:

Labcorp Genetics (formerly Invitae), Labcorp
Classification: Uncertain significance for Dilated cardiomyopathy 1G; Autosomal recessive limb-girdle muscular dystrophy type 2J. Last evaluated: 2025-10-18. Review status: criteria provided, single submitter. Criteria: Invitae Variant Classification Sherloc (09022015). Collection method: clinical testing. Allele origin: germline.
Comment: This sequence change replaces serine, which is neutral and polar, with arginine, which is basic and polar, at codon 33620 of the TTN protein (p.Ser33620Arg). This variant is not present in population databases (gnomAD no frequency). This variant has not been reported in the literature in individuals affected with TTN-related conditions. Experimental studies and prediction algorithms are not available or were not evaluated, and the functional significance of this variant is currently unknown. This variant is located in the M band of TTN (PMID: 25589632). Non-truncating variants in this region may be relevant for neuromuscular disorders, but have not been definitively shown to cause cardiomyopathy (PMID: 23975875). In summary, the available evidence is currently insufficient to determine the role of this variant in disease. Therefore, it has been classified as a Variant of Uncertain Significance.

Literature cited by the submitters: PubMed 25589632; PubMed 23975875.

NM_001267550.2(TTN):c.100860T>A (p.Ser33620Arg)

Genes: TTN-AS1 (TTN antisense RNA 1; plus strand), TTN (titin; minus strand). Cytogenetic location: 2q31.2.
Variant type: single nucleotide variant.
Coding change: c.100860T>A on transcript NM_001267550.2 (MANE Select); coding-DNA position 100860, T replaced by A.
Protein change: p.Ser33620Arg; replaces serine 33620 with arginine.
Molecular consequence: missense variant. On other transcripts: non-coding transcript variant (1).
Genome position (GRCh38, 1-based): chr2:178,535,755, A>T on the plus strand (T>A on the coding strand, the complement: TTN is on the minus strand). VCF-style: chr2-178535755-A-T. GRCh37 (hg19) VCF-style: chr2-179400482-A-T.
Other names: c.95937T>A, p.Ser31979Arg (NM_001256850.1); c.73665T>A, p.Ser24555Arg (NM_003319.4); c.93156T>A, p.Ser31052Arg (NM_133378.4); c.74040T>A, p.Ser24680Arg (NM_133432.3); c.74241T>A, p.Ser24747Arg (NM_133437.4); short protein forms S24747R, S31052R, S31979R, S24555R, S33620R, S24680R.
Identifiers: ClinVar variation 4790727 (VCV004790727.1).
Genomic context (GRCh38, chr2:178,535,755, plus strand): 5'-GCCATTATTGTCAATGAGATCTTGTCCTTTCTGCCAGGTGATCACAGGATCTGGTTTGCC[A>T]CTGAAAGGAATCTTGATGCTGACCACTTCACCTCGGAGAGCATGAACTGCTCCCATGCCT-3'
Protein context (NP_001254479.2, residues 33610-33630): GEVVSIKIPF[Ser33620Arg]GKPDPVITWQ